The following is an entry in ClinVar:

ClinVar aggregate classification (germline): Uncertain significance. Review status: criteria provided, multiple submitters, no conflicts (2 of 4 stars). 2 submissions from 2 submitters: Uncertain significance (2). Last evaluated 2024-05-06.

Allele frequency attached by ClinVar (database versions not stated): ExAC 0.00002; TOPMed 0.00002; gnomAD exomes 0.00003; gnomAD 0.00005; ESP Exome Variant Server 0.00008.
gnomAD v4.1: 55 of 1,614,008 alleles (0.0034%); highest among the groups gnomAD compares: Non-Finnish European, 0.0044%; no homozygotes.

Submissions (2):

Ambry Genetics
Classification: Uncertain significance. Last evaluated: 2024-05-06. Review status: criteria provided, single submitter. Criteria: Ambry Variant Classification Scheme 2023. Collection method: clinical testing. Allele origin: germline.

Labcorp Genetics (formerly Invitae), Labcorp
Classification: Uncertain significance. Last evaluated: 2022-04-28. Review status: criteria provided, single submitter. Criteria: Invitae Variant Classification Sherloc (09022015). Collection method: clinical testing. Allele origin: germline.
Comment: This sequence change replaces arginine, which is basic and polar, with tryptophan, which is neutral and slightly polar, at codon 176 of the FCHO1 protein (p.Arg176Trp). This variant is present in population databases (rs377605612, gnomAD 0.003%). This variant has not been reported in the literature in individuals affected with FCHO1-related conditions. Algorithms developed to predict the effect of missense changes on protein structure and function are either unavailable or do not agree on the potential impact of this missense change (SIFT: "Deleterious"; PolyPhen-2: "Possibly Damaging"; Align-GVGD: "Class C0"). In summary, the available evidence is currently insufficient to determine the role of this variant in disease. Therefore, it has been classified as a Variant of Uncertain Significance.

NM_015122.3(FCHO1):c.526C>T (p.Arg176Trp)

Gene: FCHO1 (FCH and mu domain containing endocytic adaptor 1; plus strand). Cytogenetic location: 19p13.11.
Variant type: single nucleotide variant.
Coding change: c.526C>T on transcript NM_015122.3 (MANE Select); coding-DNA position 526, C replaced by T.
Protein change: p.Arg176Trp; replaces arginine 176 with tryptophan.
Molecular consequence: missense variant. On other transcripts: non-coding transcript variant (36).
Genome position (GRCh38, 1-based): chr19:17,770,828, C>T. VCF-style: chr19-17770828-C-T. GRCh37 (hg19) VCF-style: chr19-17881637-C-T.
Other names: c.526C>T, p.Arg176Trp (NM_001161357.2, NM_001161358.2, NM_001384370.1 and 26 more transcripts); c.376C>T, p.Arg126Trp (NM_001161359.2, NM_001384384.1, NM_001384385.1 and 3 more transcripts); c.487C>T, p.Arg163Trp (NM_001384388.1, NM_001384389.1, NM_001384405.1); c.451C>T, p.Arg151Trp (NM_001384390.1); c.526C>T (NM_001161357.1); short protein forms R176W, R151W, R163W, R126W.
Identifiers: ClinVar variation 2181605 (VCV002181605.2), dbSNP rs377605612, ClinGen allele CA9300138.